The following is an entry in ClinVar:

NM_013275.6(ANKRD11):c.7150C>T (p.Pro2384Ser)

Gene: ANKRD11 (ankyrin repeat domain 11; minus strand). Cytogenetic location: 16q24.3.
Variant type: single nucleotide variant.
Coding change: c.7150C>T on transcript NM_013275.6 (MANE Select); coding-DNA position 7150, C replaced by T.
Protein change: p.Pro2384Ser; replaces proline 2384 with serine.
Molecular consequence: missense variant.
Genome position (GRCh38, 1-based): chr16:89,279,392, G>A on the plus strand (C>T on the coding strand, the complement: ANKRD11 is on the minus strand). VCF-style: chr16-89279392-G-A. GRCh37 (hg19) VCF-style: chr16-89345800-G-A.
Other names: c.7150C>T, p.Pro2384Ser (NM_001256182.2, NM_001256183.2); short protein forms P2384S.
Identifiers: ClinVar variation 4766105 (VCV004766105.1).

ClinVar aggregate classification (germline): Uncertain significance (1 of 4 stars; one submission).

Conditions:
KBG syndrome (KBGS). Also called: ANKRD11-Related KBG Syndrome. Identifiers: Orphanet 2332, MedGen C0220687, MONDO:0007846, OMIM 148050.

Submission:

Labcorp Genetics (formerly Invitae), Labcorp
Classification: Uncertain significance for KBG syndrome. Last evaluated: 2025-04-08. Review status: criteria provided, single submitter. Criteria: Invitae Variant Classification Sherloc (09022015). Collection method: clinical testing. Allele origin: germline.
Comment: This sequence change replaces proline, which is neutral and non-polar, with serine, which is neutral and polar, at codon 2384 of the ANKRD11 protein (p.Pro2384Ser). This variant is not present in population databases (gnomAD no frequency). This variant has not been reported in the literature in individuals affected with ANKRD11-related conditions. Invitae Evidence Modeling of protein sequence and biophysical properties (such as structural, functional, and spatial information, amino acid conservation, physicochemical variation, residue mobility, and thermodynamic stability) indicates that this missense variant is expected to disrupt ANKRD11 protein function with a positive predictive value of 95%. In summary, the available evidence is currently insufficient to determine the role of this variant in disease. Therefore, it has been classified as a Variant of Uncertain Significance.